The following is an entry in ClinVar:

NM_031892.3(SH3KBP1):c.4+3G>A

Gene: SH3KBP1 (SH3 domain containing kinase binding protein 1; minus strand). Cytogenetic location: Xp22.12.
Variant type: single nucleotide variant.
Coding change: c.4+3G>A on transcript NM_031892.3 (MANE Select); 3 bases into the intron after coding-DNA position 4, G replaced by A.
Molecular consequence: intron variant.
Genome position (GRCh38, 1-based): chrX:19,887,304, C>T on the plus strand (G>A on the coding strand, the complement: SH3KBP1 is on the minus strand). VCF-style: chrX-19887304-C-T. GRCh37 (hg19) VCF-style: chrX-19905422-C-T.
Other names: c.4+3G>A (NM_001353890.2, NM_001353892.2, NM_001353891.2 and 2 more transcripts).
Identifiers: ClinVar variation 2777225 (VCV002777225.3), dbSNP rs2523136204, ClinGen allele CA2579568055.

ClinVar aggregate classification (germline): Uncertain significance (1 of 4 stars; one submission).

Submission:

Labcorp Genetics (formerly Invitae), Labcorp
Classification: Uncertain significance. Last evaluated: 2023-05-23. Review status: criteria provided, single submitter. Criteria: Invitae Variant Classification Sherloc (09022015). Collection method: clinical testing. Allele origin: germline.
Comment: In summary, the available evidence is currently insufficient to determine the role of this variant in disease. Therefore, it has been classified as a Variant of Uncertain Significance. Variants that disrupt the consensus splice site are a relatively common cause of aberrant splicing (PMID: 17576681, 9536098). Algorithms developed to predict the effect of sequence changes on RNA splicing suggest that this variant is not likely to affect RNA splicing. This variant has not been reported in the literature in individuals affected with SH3KBP1-related conditions. The frequency data for this variant in the population databases is considered unreliable, as metrics indicate insufficient coverage at this position in the gnomAD database. This sequence change falls in intron 1 of the SH3KBP1 gene. It does not directly change the encoded amino acid sequence of the SH3KBP1 protein. It affects a nucleotide within the consensus splice site.

Literature cited by the submitters: PubMed 17576681; PubMed 9536098.